The following is an entry in ClinVar:

NM_000070.3(CAPN3):c.292G>A (p.Val98Ile)

Gene: CAPN3 (calpain 3; plus strand). Cytogenetic location: 15q15.1.
Variant type: single nucleotide variant.
Coding change: c.292G>A on transcript NM_000070.3 (MANE Select); coding-DNA position 292, G replaced by A.
Protein change: p.Val98Ile; replaces valine 98 with isoleucine.
Molecular consequence: missense variant.
Genome position (GRCh38, 1-based): chr15:42,360,097, G>A. VCF-style: chr15-42360097-G-A. GRCh37 (hg19) VCF-style: chr15-42652295-G-A.
Other names: c.292G>A, p.Val98Ile (NM_024344.2, NM_173087.2); short protein forms V98I.
Identifiers: ClinVar variation 284578 (VCV000284578.58), dbSNP rs368585092, ClinGen allele CA7510890.

ClinVar aggregate classification (germline): Uncertain significance. Review status: criteria provided, multiple submitters, no conflicts (2 of 4 stars). 7 submissions from 7 submitters: Uncertain significance (6). 1 of the submissions does not count toward it. Last evaluated 2025-08-26.

Conditions:
Muscular dystrophy, limb-girdle, autosomal dominant 4. Also called: MUSCULAR DYSTROPHY, LIMB-GIRDLE, TYPE 1I; Calpain-3-related limb-girdle muscular dystrophy D4. Identifiers: Orphanet 565909, MedGen C4748295, MONDO:0029133, OMIM 618129.
Autosomal recessive limb-girdle muscular dystrophy type 2A (LGMDR1). Also called: Limb-girdle muscular dystrophy, type 2A; Calpainopathy; Muscular dystrophy, limb-girdle, type 2A, Amish; LEYDEN-MOEBIUS MUSCULAR DYSTROPHY; MUSCULAR DYSTROPHY, PELVOFEMORAL. Identifiers: Orphanet 267, MedGen C1869123, MONDO:0009675, OMIM 253600. Disease mechanism: loss of function.

Allele frequency attached by ClinVar (database versions not stated): gnomAD 0.00010 and 0.00011; TOPMed 0.00010; gnomAD exomes 0.00013; ESP Exome Variant Server 0.00015; 1000 Genomes Project 30x 0.00016; ExAC 0.00018; 1000 Genomes Project 0.00020.

Submissions (7):

Myriad Genetics, Inc.
Classification: Uncertain significance for Autosomal recessive limb-girdle muscular dystrophy type 2A. Last evaluated: 2025-08-26. Review status: criteria provided, single submitter. Criteria: Myriad Autosomal Dominant, Autosomal Recessive and X-Linked Classification Criteria (2023). Collection method: clinical testing. Allele origin: unknown.
Comment: NM_000070.2(CAPN3):c.292G>A(V98I) is a missense variant classified as a variant of uncertain significance in the context of calpainopathy. V98I has not been observed in cases with relevant disease. Relevant functional assessments of this variant are not available in the literature. V98I has been observed in referenced population frequency databases. In summary, there is insufficient evidence to classify NM_000070.2(CAPN3):c.292G>A(V98I) as pathogenic or benign. Please note: this variant was assessed in the context of healthy population screening.

Labcorp Genetics (formerly Invitae), Labcorp
Classification: Uncertain significance for Autosomal recessive limb-girdle muscular dystrophy type 2A. Last evaluated: 2025-07-23. Review status: criteria provided, single submitter. Criteria: Invitae Variant Classification Sherloc (09022015). Collection method: clinical testing. Allele origin: germline.
Comment: This sequence change replaces valine, which is neutral and non-polar, with isoleucine, which is neutral and non-polar, at codon 98 of the CAPN3 protein (p.Val98Ile). This variant is present in population databases (rs368585092, gnomAD 0.03%). This missense change has been observed in individual(s) with clinical features of CAPN3-related conditions (internal data). ClinVar contains an entry for this variant (Variation ID: 284578). An algorithm developed to predict the effect of missense changes on protein structure and function outputs the following: PolyPhen-2: "Benign". The isoleucine amino acid residue is found in multiple mammalian species, which suggests that this missense change does not adversely affect protein function. In summary, the available evidence is currently insufficient to determine the role of this variant in disease. Therefore, it has been classified as a Variant of Uncertain Significance.

Revvity Omics, Revvity
Classification: Uncertain significance. Last evaluated: 2024-07-24. Review status: criteria provided, single submitter. Criteria: ACMG Guidelines, 2015. Collection method: clinical testing. Allele origin: germline.

Fulgent Genetics
Classification: Uncertain significance for Autosomal recessive limb-girdle muscular dystrophy type 2A; Muscular dystrophy, limb-girdle, autosomal dominant 4. Last evaluated: 2022-02-26. Review status: criteria provided, single submitter. Criteria: ACMG Guidelines, 2015. Collection method: clinical testing. Allele origin: unknown.

CeGaT Center for Human Genetics Tuebingen
Classification: Uncertain significance. Last evaluated: 2016-05-01. Review status: criteria provided, single submitter. Criteria: CeGaT Center For Human Genetics Tuebingen Variant Classification Criteria Version 2. Collection method: clinical testing. Allele origin: germline. Affected: yes. Observed: 1 variant allele.

Eurofins Ntd Llc (ga)
Classification: Uncertain significance. Last evaluated: 2015-12-01. Review status: criteria provided, single submitter. Criteria: EGL Classification Definitions 2015. Collection method: clinical testing. Allele origin: germline. Observed: 1 variant allele, 1 heterozygote.

Natera, Inc.
Classification: Uncertain significance for Limb-girdle muscular dystrophy type 2A. Last evaluated: 2020-01-28. Review status: no assertion criteria provided. Collection method: clinical testing. Allele origin: germline. Not counted in ClinVar's aggregate classification.